The following is an entry in ClinVar:

ClinVar aggregate classification (germline): Likely pathogenic (1 of 4 stars; one submission).

Conditions:
Kabuki syndrome 1 (KABUK1). Also called: KMT2D-Related Kabuki Syndrome. Identifiers: Orphanet 2322, MedGen CN030661, MONDO:0007843, OMIM 147920.

Submission:

Breda Genetics srl
Classification: Likely pathogenic for Kabuki syndrome 1. Last evaluated: 2019-01-17. Review status: criteria provided, single submitter. Criteria: ACMG Guidelines, 2015. Collection method: clinical testing. Allele origin: germline. Inheritance: Autosomal dominant inheritance. Affected: yes. Observed: 1 variant allele, 1 heterozygote.
Comment: The variant c.12039_12046del (p.Ala4014Serfs*23) creates a shift in the reading frame which is predicted to result in a premature stop codon 23 amino acids downstream. This variant is likely to result in a truncated protein or protein loss due to nonsense-mediated messenger decay (NMD). This variant has not been reported in dbSNP, gnomAD, 1000 Genomes, NHLI Exome Sequencing Project (ESP) or ClinVar. The majority of pathogenic variants are nonsense and frameshift (72%), followed by missense variants (16%), splice-site variants (9%), and in-frame deletions/insertions (3%). The proportion of KMT2D-related Kabuki syndrome caused by de novo variants is likely high (Adam et al., 2013; PMID: 21882399).

NM_003482.4(KMT2D):c.12039_12046del (p.Ala4014fs)

Gene: KMT2D (lysine methyltransferase 2D; minus strand). Cytogenetic location: 12q13.12.
Variant type: Microsatellite.
Coding change: c.12039_12046del on transcript NM_003482.4 (MANE Select); coding-DNA positions 12039 to 12046, 8 bases deleted (AGCCCTGG; older notation c.12039_12046delAGCCCTGG).
Protein change: p.Ala4014fs; shifts the reading frame from alanine 4014.
Molecular consequence: frameshift variant.
Genome position (GRCh38, 1-based): chr12:49,032,659-49,032,666, CCAGGGCT deleted on the plus strand (AGCCCTGG on the coding strand, the reverse complement: KMT2D is on the minus strand); deleting any 8 consecutive bases within chr12:49,032,659-49,032,674 gives the same sequence; the c. name uses the placement nearest the transcript's 3' end. VCF-style (leftmost placement, unchanged base first): chr12-49032658-CCCAGGGCT-C. GRCh37 (hg19) VCF-style: chr12-49426441-CCCAGGGCT-C.
Other names: short protein forms A4014fs.
Identifiers: ClinVar variation 1048545 (VCV001048545.2), dbSNP rs2120433403, ClinGen allele CA2580615191.